The following is an entry in ClinVar:

NM_001040108.2(MLH3):c.2347A>G (p.Ser783Gly)

Gene: MLH3 (mutL homolog 3; minus strand). Cytogenetic location: 14q24.3.
Variant type: single nucleotide variant.
Coding change: c.2347A>G on transcript NM_001040108.2 (MANE Select); coding-DNA position 2347, A replaced by G.
Protein change: p.Ser783Gly; replaces serine 783 with glycine.
Molecular consequence: missense variant.
Genome position (GRCh38, 1-based): chr14:75,047,309, T>C on the plus strand (A>G on the coding strand, the complement: MLH3 is on the minus strand). VCF-style: chr14-75047309-T-C. GRCh37 (hg19) VCF-style: chr14-75514012-T-C.
Other names: c.2347A>G, p.Ser783Gly (NM_014381.3); short protein forms S783G.
Identifiers: ClinVar variation 4108629 (VCV004108629.1).

ClinVar aggregate classification (germline): Uncertain significance (1 of 4 stars; one submission).

Submission:

Ambry Genetics
Classification: Uncertain significance. Last evaluated: 2025-07-02. Review status: criteria provided, single submitter. Criteria: Ambry Variant Classification Scheme 2023. Collection method: clinical testing. Allele origin: germline.
Comment: The p.S783G variant (also known as c.2347A>G), located in coding exon 1 of the MLH3 gene, results from an A to G substitution at nucleotide position 2347. The serine at codon 783 is replaced by glycine, an amino acid with similar properties. This amino acid position is conserved. In addition, this alteration is predicted to be tolerated by in silico analysis. Based on the available evidence, the clinical significance of this variant remains unclear.